The following is an entry in ClinVar:

NM_000540.3(RYR1):c.8471A>G (p.Glu2824Gly)

Genes: RYR1 (ryanodine receptor 1; plus strand), LOC126862902 (BRD4-independent group 4 enhancer GRCh37_chr19:38995830-38997029; plus strand). Cytogenetic location: 19q13.2.
Variant type: single nucleotide variant.
Coding change: c.8471A>G on transcript NM_000540.3 (MANE Select); coding-DNA position 8471, A replaced by G.
Protein change: p.Glu2824Gly; replaces glutamic acid 2824 with glycine.
Molecular consequence: missense variant.
Genome position (GRCh38, 1-based): chr19:38,505,876, A>G. VCF-style: chr19-38505876-A-G. GRCh37 (hg19) VCF-style: chr19-38996516-A-G.
Other names: c.8471A>G, p.Glu2824Gly (NM_001042723.2); short protein forms E2824G.
Identifiers: ClinVar variation 478291 (VCV000478291.15), dbSNP rs1555785560, ClinGen allele CA405678736.

ClinVar aggregate classification (germline): Uncertain significance. Review status: criteria provided, multiple submitters, no conflicts (2 of 4 stars). 4 submissions from 4 submitters: Uncertain significance (4). Last evaluated 2025-10-14.

Conditions:
RYR1-related disorder. Also called: RYR1-related disorders; RYR1-related condition. Identifiers: MedGen CN239331.

Allele frequency attached by ClinVar (database versions not stated): TOPMed below 0.00001.

Submissions (4):

Women's Health and Genetics/Laboratory Corporation of America, LabCorp
Classification: Uncertain significance. Last evaluated: 2025-10-14. Review status: criteria provided, single submitter. Criteria: LabCorp Variant Classification Summary - May 2015. Collection method: clinical testing. Allele origin: germline.
Comment: Variant summary: RYR1 c.8471A>G (p.Glu2824Gly) results in a non-conservative amino acid change in the encoded protein sequence. Algorithms developed to predict the effect of missense changes on protein structure and function all suggest that this variant is likely to be disruptive. The variant was absent in 251358 control chromosomes. The available data on variant occurrences in the general population are insufficient to allow any conclusion about variant significance. To our knowledge, no occurrence of c.8471A>G in individuals affected with RYR1-related conditions and no experimental evidence demonstrating its impact on protein function have been reported. ClinVar contains an entry for this variant (Variation ID: 478291). Based on the evidence outlined above, the variant was classified as uncertain significance.

Labcorp Genetics (formerly Invitae), Labcorp
Classification: Uncertain significance for RYR1-related disorder. Last evaluated: 2025-08-09. Review status: criteria provided, single submitter. Criteria: Invitae Variant Classification Sherloc (09022015). Collection method: clinical testing. Allele origin: germline.
Comment: This sequence change replaces glutamic acid, which is acidic and polar, with glycine, which is neutral and non-polar, at codon 2824 of the RYR1 protein (p.Glu2824Gly). This variant is not present in population databases (gnomAD no frequency). This variant has not been reported in the literature in individuals affected with RYR1-related conditions. ClinVar contains an entry for this variant (Variation ID: 478291). Invitae Evidence Modeling of protein sequence and biophysical properties (such as structural, functional, and spatial information, amino acid conservation, physicochemical variation, residue mobility, and thermodynamic stability) has been performed for this missense variant. However, the output from this modeling did not meet the statistical confidence thresholds required to predict the impact of this variant on RYR1 protein function. In summary, the available evidence is currently insufficient to determine the role of this variant in disease. Therefore, it has been classified as a Variant of Uncertain Significance.

GeneDx
Classification: Uncertain significance. Last evaluated: 2022-08-09. Review status: criteria provided, single submitter. Criteria: GeneDx Variant Classification Process June 2021. Collection method: clinical testing. Allele origin: germline. Affected: yes.
Comment: Not observed at significant frequency in large population cohorts (gnomAD); In silico analysis supports that this missense variant has a deleterious effect on protein structure/function; Has not been previously published as pathogenic or benign to our knowledge; This variant is associated with the following publications: (PMID: 12668474)

Stanford Center for Inherited Cardiovascular Disease, Stanford University
Classification: Uncertain significance. Last evaluated: 2016-09-02. Review status: criteria provided, single submitter. Criteria: ACMG Guidelines, 2015. Collection method: provider interpretation. Allele origin: germline.